The following is an entry in ClinVar:

NM_012335.4(MYO1F):c.690G>A (p.Pro230=)

Gene: MYO1F (myosin IF; minus strand). Cytogenetic location: 19p13.2.
Variant type: single nucleotide variant.
Coding change: c.690G>A on transcript NM_012335.4 (MANE Select); coding-DNA position 690, G replaced by A.
Protein change: p.Pro230=; no amino-acid change (proline 230 retained).
Molecular consequence: synonymous variant.
Genome position (GRCh38, 1-based): chr19:8,551,821, C>T on the plus strand (G>A on the coding strand, the complement: MYO1F is on the minus strand). VCF-style: chr19-8551821-C-T. GRCh37 (hg19) VCF-style: chr19-8616705-C-T.
Other names: c.690G>A, p.Pro230= (NM_001348355.2).
Identifiers: ClinVar variation 681154 (VCV000681154.29), dbSNP rs201876554, ClinGen allele CA9159574.

ClinVar aggregate classification (germline): Likely benign. Review status: criteria provided, multiple submitters, no conflicts (2 of 4 stars). 4 submissions from 4 submitters: Likely benign (4). Last evaluated 2023-03-01.

Allele frequency attached by ClinVar (database versions not stated): gnomAD exomes 0.00074; ESP Exome Variant Server 0.00079; ExAC 0.00083; gnomAD 0.00110 and 0.00115; TOPMed 0.00114.
gnomAD v4.1: 834 of 1,614,106 alleles (0.052%); highest among the groups gnomAD compares: Middle Eastern, 0.56%; 2 homozygotes.

Submissions (4):

CeGaT Center for Human Genetics Tuebingen
Classification: Likely benign. Last evaluated: 2023-03-01. Review status: criteria provided, single submitter. Criteria: CeGaT Center For Human Genetics Tuebingen Variant Classification Criteria Version 2. Collection method: clinical testing. Allele origin: germline. Affected: yes. Observed: 1 variant allele.
Comment: MYO1F: BP4, BP7

Labcorp Genetics (formerly Invitae), Labcorp
Classification: Likely benign. Last evaluated: 2018-04-24. Review status: criteria provided, single submitter. Criteria: Invitae Variant Classification Sherloc (09022015). Collection method: clinical testing. Allele origin: germline.

GeneDx
Classification: Likely benign. Last evaluated: 2018-04-10. Review status: criteria provided, single submitter. Criteria: GeneDx Variant Classification (06012015). Collection method: clinical testing. Allele origin: germline. Affected: yes.
Comment: This variant is considered likely benign or benign based on one or more of the following criteria: it is a conservative change, it occurs at a poorly conserved position in the protein, it is predicted to be benign by multiple in silico algorithms, and/or has population frequency not consistent with disease.

Breakthrough Genomics
Classification: Likely benign. Review status: criteria provided, single submitter. Criteria: ACMG Guidelines, 2015. Collection method: not provided. Allele origin: germline. Inheritance: Unknown mechanism. Affected: yes.